The following is an entry in ClinVar:

ClinVar aggregate classification (germline): Uncertain significance. Review status: criteria provided, multiple submitters, no conflicts (2 of 4 stars). 3 submissions from 3 submitters: Uncertain significance (3). Last evaluated 2025-06-17.

Conditions:
Inborn genetic diseases. Identifiers: MedGen C0950123, MeSH D030342.
Mucopolysaccharidosis type 1. Also called: IDUA deficiency; MPS I. Identifiers: Orphanet 579, MedGen C0023786, MONDO:0001586.

Allele frequency attached by ClinVar (database versions not stated): gnomAD exomes below 0.00001; gnomAD 0.00001; ExAC 0.00003.

Submissions (3):

Ambry Genetics
Classification: Uncertain significance for Inborn genetic diseases. Last evaluated: 2025-06-17. Review status: criteria provided, single submitter. Criteria: Ambry Variant Classification Scheme 2023. Collection method: clinical testing. Allele origin: germline.

Labcorp Genetics (formerly Invitae), Labcorp
Classification: Uncertain significance for Mucopolysaccharidosis type 1. Last evaluated: 2022-08-16. Review status: criteria provided, single submitter. Criteria: Invitae Variant Classification Sherloc (09022015). Collection method: clinical testing. Allele origin: germline.
Comment: This sequence change replaces arginine, which is basic and polar, with glutamine, which is neutral and polar, at codon 621 of the IDUA protein (p.Arg621Gln). This variant is present in population databases (rs762399936, gnomAD 0.005%). This variant has not been reported in the literature in individuals affected with IDUA-related conditions. Algorithms developed to predict the effect of missense changes on protein structure and function are either unavailable or do not agree on the potential impact of this missense change (SIFT: "Tolerated"; PolyPhen-2: "Possibly Damaging"; Align-GVGD: "Class C0"). In summary, the available evidence is currently insufficient to determine the role of this variant in disease. Therefore, it has been classified as a Variant of Uncertain Significance.

Revvity Omics, Revvity
Classification: Uncertain significance. Last evaluated: 2021-11-02. Review status: criteria provided, single submitter. Criteria: ACMG Guidelines, 2015. Collection method: clinical testing. Allele origin: germline.

NM_000203.5(IDUA):c.1862G>A (p.Arg621Gln)

Gene: IDUA (alpha-L-iduronidase; plus strand). Cytogenetic location: 4p16.3.
Variant type: single nucleotide variant.
Coding change: c.1862G>A on transcript NM_000203.5 (MANE Select); coding-DNA position 1862, G replaced by A.
Protein change: p.Arg621Gln; replaces arginine 621 with glutamine.
Molecular consequence: missense variant. On other transcripts: non-coding transcript variant (1).
Genome position (GRCh38, 1-based): chr4:1,004,293, G>A. VCF-style: chr4-1004293-G-A. GRCh37 (hg19) VCF-style: chr4-998081-G-A.
Other names: c.1862G>A (NM_000203.3); c.1466G>A, p.Arg489Gln (NM_001363576.1); short protein forms R489Q, R621Q.
Identifiers: ClinVar variation 2156315 (VCV002156315.5), dbSNP rs762399936, ClinGen allele CA2802459.
Genomic context (GRCh38, chr4:1,004,293, plus strand): 5'-TTGGCACACATGTCCCCTTGTCTCCAGACACAGGTGCTGTCTCTGGCTCCTACCGAGTTC[G>A]AGCCCTGGACTACTGGGCCCGACCAGGCCCCTTCTCGGACCCTGTGCCGTACCTGGAGGT-3'
Protein context (NP_000194.2, residues 611-631): TGAVSGSYRV[Arg621Gln]ALDYWARPGP